The following is an entry in ClinVar:

Conditions:
Breast-ovarian cancer, familial, susceptibility to, 1 (BROVCA1). Also called: BRCA1 Hereditary Breast and Ovarian Cancer; OVARIAN CANCER, SUSCEPTIBILITY TO. Identifiers: Orphanet 145, MedGen C2676676, MONDO:0011450, OMIM 604370. Disease mechanism: loss of function.

Submission:

Brotman Baty Institute, University of Washington
No classification provided (evidence only). Condition: Breast-ovarian cancer, familial 1. Review status: no classification provided. Collection method: in vitro. Allele origin: not applicable. Functional consequence: functionally_normal.
ClinVar note: "not provided" was previously submitted as the classification for the variant. However, the classification appeared to be based only on an observation of functional data so it was converted to no classification on 2025-07-30.

NM_007294.4(BRCA1):c.5075-5T>G

Gene: BRCA1 (BRCA1 DNA repair associated; minus strand). Cytogenetic location: 17q21.31.
Variant type: single nucleotide variant.
Coding change: c.5075-5T>G on transcript NM_007294.4 (MANE Select); 5 bases into the intron before coding-DNA position 5075, T replaced by G.
Molecular consequence: intron variant.
Genome position (GRCh38, 1-based): chr17:43,063,956, A>C on the plus strand (T>G on the coding strand, the complement: BRCA1 is on the minus strand). VCF-style: chr17-43063956-A-C. GRCh37 (hg19) VCF-style: chr17-41215973-A-C.
Other names: c.1622-5T>G (NM_001408458.1, NM_001408461.1, NM_001408464.1 and 7 more transcripts); c.4184-5T>G (NM_001407967.1); c.4694-5T>G (NM_001407959.1); c.4808-5T>G (NM_001407931.1, NM_001407932.1, NM_001407928.1 and 4 more transcripts); c.4931-5T>G (NM_001407747.1, NM_001407745.1, NM_001407737.1 and 21 more transcripts); c.4691-5T>G (NM_001407962.1, NM_001407960.1); c.1262-5T>G (NM_001408512.1); c.1385-5T>G (NM_001408510.1); and 73 more.
Identifiers: ClinVar variation 868609 (VCV000868609.3), dbSNP rs775235695, ClinGen allele CA916080129.